The following is an entry in ClinVar:

ClinVar aggregate classification (germline): Uncertain significance. Review status: criteria provided, multiple submitters, no conflicts (2 of 4 stars). 3 submissions from 3 submitters: Uncertain significance (3). Last evaluated 2025-02-13.

Conditions:
Cardiovascular phenotype. Identifiers: MedGen CN230736.
Autosomal recessive limb-girdle muscular dystrophy type 2J (LGMDR10). Also called: MUSCULAR DYSTROPHY, LIMB-GIRDLE, AUTOSOMAL RECESSIVE 10; Limb-girdle muscular dystrophy, type 2J. Identifiers: Orphanet 140922, MedGen C1837342, MONDO:0012127, OMIM 608807.
Hypertrophic cardiomyopathy 9. Also called: Familial hypertrophic cardiomyopathy 9. Identifiers: MedGen C1861065, MONDO:0013412, OMIM 613765.
Tibial muscular dystrophy (TMD). Also called: Udd Distal Myopathy – Tibial Muscular Dystrophy; Tibial muscular dystrophy, tardive; UDD MYOPATHY. Identifiers: Orphanet 609, MedGen C1838244, MONDO:0010870, OMIM 600334.
Dilated cardiomyopathy 1G (CMD1G). Identifiers: Orphanet 154, MedGen C1858763, MONDO:0011400, OMIM 604145.
Early-onset myopathy with fatal cardiomyopathy (CMYO5). Also called: Salih Myopathy; CONGENITAL MYOPATHY 5 WITH CARDIOMYOPATHY. Identifiers: Orphanet 289377, MedGen C2673677, MONDO:0012714, OMIM 611705. Disease mechanism: loss of function.
Myopathy, myofibrillar, 9, with early respiratory failure (MFM9). Also called: MYOPATHY, PROXIMAL, WITH EARLY RESPIRATORY MUSCLE INVOLVEMENT; Myopathy, distal, with early respiratory failure, autosomal dominant; Hereditary myopathy with early respiratory failure; EDSTROM MYOPATHY. Identifiers: Orphanet 178464, Orphanet 34521, MedGen C1863599, MONDO:0011362, OMIM 603689.

Allele frequency attached by ClinVar (database versions not stated): gnomAD exomes below 0.00001 and 0.00001.

Submissions (3):

Ambry Genetics
Classification: Uncertain significance for Cardiovascular phenotype. Last evaluated: 2025-02-13. Review status: criteria provided, single submitter. Criteria: Ambry Variant Classification Scheme 2023. Collection method: clinical testing. Allele origin: germline.
Comment: The c.53497_53502delAAAATA variant (also known as p.K17833_I17834del) is located in coding exon 153 of the TTN gene. This variant results from an in-frame deletion of six nucleotides at positions 53497 to 53502. This results in the deletion of two amino acids between codons 17833 and 17834. These amino acid position are well conserved in available vertebrate species. In addition, this alteration is predicted to be deleterious by in silico analysis (Choi Y et al. PLoS ONE. 2012; 7(10):e46688). Since supporting evidence is limited at this time, the clinical significance of this alteration remains unclear.

Department of Pathology and Laboratory Medicine, Sinai Health System
Classification: Uncertain significance for Tibial muscular dystrophy; Myopathy, myofibrillar, 9, with early respiratory failure; Dilated cardiomyopathy 1G; Autosomal recessive limb-girdle muscular dystrophy type 2J; Early-onset myopathy with fatal cardiomyopathy; Hypertrophic cardiomyopathy 9. Last evaluated: 2022-05-27. Review status: criteria provided, single submitter. Criteria: ACMG Guidelines, 2015. Collection method: research. Allele origin: germline.

Molecular Diagnostic Laboratory for Inherited Cardiovascular Disease, Montreal Heart Institute
Classification: Uncertain significance. Last evaluated: 2017-06-12. Review status: criteria provided, single submitter. Criteria: ACMG Guidelines, 2015. Collection method: clinical testing. Allele origin: germline. Affected: yes.

NM_001267550.2(TTN):c.80692_80697del (p.Lys26898_Ile26899del)

Genes: TTN (titin; minus strand), TTN-AS1 (TTN antisense RNA 1; plus strand). Cytogenetic location: 2q31.2.
Variant type: Deletion.
Coding change: c.80692_80697del on transcript NM_001267550.2 (MANE Select); coding-DNA positions 80692 to 80697, 6 bases deleted (AAAATA; older notation c.80692_80697delAAAATA).
Protein change: p.Lys26898_Ile26899del.
Molecular consequence: inframe deletion.
Genome position (GRCh38, 1-based): chr2:178,565,435-178,565,440, TATTTT deleted on the plus strand (AAAATA on the coding strand, the reverse complement: TTN is on the minus strand). VCF-style (leftmost placement, unchanged base first): chr2-178565434-CTATTTT-C. GRCh37 (hg19) VCF-style: chr2-179430161-CTATTTT-C.
Other names: c.75769_75774del, p.Lys25257_Ile25258del (NM_001256850.1); c.53497_53502del, p.Lys17833_Ile17834del (NM_003319.4); c.72988_72993del, p.Lys24330_Ile24331del (NM_133378.4); c.53872_53877del, p.Lys17958_Ile17959del (NM_133432.3); c.54073_54078del, p.Lys18025_Ile18026del (NM_133437.4); c.53497_53502delAAAATA (NM_003319.4); c.80692_80697delAAAATA (NM_001267550.2).
Identifiers: ClinVar variation 520488 (VCV000520488.5), dbSNP rs1385301438, ClinGen allele CA538435316.
Genomic context (GRCh38, chr2:178,565,434, plus strand): 5'-GAGGCTCACCATCTTTGACCCAAGAAATGTTAGGTCTTGGTCGGCCTATAACTGGAATTT[CTATTTT>C]AAGATCTTCTCCAGCTTGGATACTATATGTGTTAAATGGTAACTTTAAACTAGGCTGTAT-3'